The following is an entry in ClinVar:

ClinVar aggregate classification (germline): Uncertain significance (1 of 4 stars; one submission).

Allele frequency attached by ClinVar (database versions not stated): gnomAD exomes below 0.00001.
gnomAD v4.1: 1 of 696,712 alleles (0.00014%); highest among the groups gnomAD compares: Admixed American, 0.002%; no homozygotes.

Submission:

Labcorp Genetics (formerly Invitae), Labcorp
Classification: Uncertain significance. Last evaluated: 2025-01-14. Review status: criteria provided, single submitter. Criteria: Invitae Variant Classification Sherloc (09022015). Collection method: clinical testing. Allele origin: germline.
Comment: This sequence change replaces phenylalanine, which is neutral and non-polar, with leucine, which is neutral and non-polar, at codon 386 of the GABRA2 protein (p.Phe386Leu). The frequency data for this variant in the population databases is considered unreliable, as metrics indicate poor data quality at this position in the gnomAD database. This variant has not been reported in the literature in individuals affected with GABRA2-related conditions. ClinVar contains an entry for this variant (Variation ID: 2762707). An algorithm developed to predict the effect of missense changes on protein structure and function (PolyPhen-2) suggests that this variant is likely to be tolerated. In summary, the available evidence is currently insufficient to determine the role of this variant in disease. Therefore, it has been classified as a Variant of Uncertain Significance.

NM_000807.4(GABRA2):c.1059+5648T>C

Gene: GABRA2 (gamma-aminobutyric acid type A receptor subunit alpha2; minus strand). Cytogenetic location: 4p12.
Variant type: single nucleotide variant.
Coding change: c.1059+5648T>C on transcript NM_000807.4 (MANE Select); 5648 bases into the intron after coding-DNA position 1059, T replaced by C.
Molecular consequence: intron variant. On other transcripts: missense variant (4).
Genome position (GRCh38, 1-based): chr4:46,256,278, A>G on the plus strand (T>C on the coding strand, the complement: GABRA2 is on the minus strand). VCF-style: chr4-46256278-A-G. GRCh37 (hg19) VCF-style: chr4-46258295-A-G.
Other names: c.991T>C, p.Phe331Leu (NM_001286827.3); c.1156T>C, p.Phe386Leu (NM_001330690.2, NM_001377144.1, NM_001377145.1); c.894+5648T>C (NM_001377154.1, NM_001377152.1, NM_001377153.1); c.1059+5648T>C (NM_001377146.1, NM_001377150.1, NM_001377147.1 and 4 more transcripts); short protein forms F331L, F386L.
Identifiers: ClinVar variation 2762707 (VCV002762707.3), dbSNP rs1485615712, ClinGen allele CA356803502.